The following is an entry in ClinVar:

NM_003482.4(KMT2D):c.9834_9848dup (p.Gln3282_His3283insGlnGlnGlnGlnGln)

Gene: KMT2D (lysine methyltransferase 2D; minus strand). Cytogenetic location: 12q13.12.
Variant type: Duplication.
Coding change: c.9834_9848dup on transcript NM_003482.4 (MANE Select); coding-DNA positions 9834 to 9848, 15 bases duplicated (ACAGCAGCAGCAGCA).
Protein change: p.Gln3282_His3283insGlnGlnGlnGlnGln.
Molecular consequence: inframe insertion.
Genome position (GRCh38, 1-based): chr12:49,037,508-49,037,522, TGCTGCTGCTGCTGT duplicated on the plus strand (ACAGCAGCAGCAGCA on the coding strand, the reverse complement: KMT2D is on the minus strand); duplicating any 15 consecutive bases within chr12:49,037,508-49,037,536 gives the same sequence; the c. name uses the placement nearest the transcript's 3' end. VCF-style (leftmost placement, unchanged base first): chr12-49037507-A-ATGCTGCTGCTGCTGT. GRCh37 (hg19) VCF-style: chr12-49431290-A-ATGCTGCTGCTGCTGT.
Identifiers: ClinVar variation 2742573 (VCV002742573.3), dbSNP rs1555190270, ClinGen allele CA6546641.
Genomic context (GRCh38, chr12:49,037,507, plus strand): 5'-AGAAGAGCCCTCATGTGGCAAAGACATGGCCTGGGCAGGGCCTGGTGCAGACAGTAGGGA[A>ATGCTGCTGCTGCTGT]TGCTGCTGCTGCTGTTGCTGCTGCTGCTGGGCAGGCTGCAACTGTGCTGAAAGCTGCTGC-3'

ClinVar aggregate classification (germline): Uncertain significance (1 of 4 stars; one submission).

Conditions:
Kabuki syndrome. Also called: Kabuki make-up syndrome; NIIKAWA-KUROKI SYNDROME. Identifiers: Orphanet 2322, MedGen C0796004, MONDO:0016512.

Submission:

Labcorp Genetics (formerly Invitae), Labcorp
Classification: Uncertain significance for Kabuki syndrome. Last evaluated: 2023-10-09. Review status: criteria provided, single submitter. Criteria: Invitae Variant Classification Sherloc (09022015). Collection method: clinical testing. Allele origin: germline.
Comment: This variant, c.9834_9848dup, results in the insertion of 5 amino acid(s) of the KMT2D protein (p.Gln3278_Gln3282dup), but otherwise preserves the integrity of the reading frame. This variant is present in population databases (rs758215754, gnomAD 0.002%). This variant has not been reported in the literature in individuals affected with KMT2D-related conditions. In summary, the available evidence is currently insufficient to determine the role of this variant in disease. Therefore, it has been classified as a Variant of Uncertain Significance.